The following is an entry in ClinVar:

ClinVar aggregate classification (germline): Uncertain significance (1 of 4 stars; one submission).

Conditions:
Neuroblastoma, susceptibility to, 3. Also called: ALK-Related Neuroblastic Tumor Susceptibility. Identifiers: Orphanet 635, MedGen C2751681, MONDO:0013083, OMIM 613014.

Submission:

Labcorp Genetics (formerly Invitae), Labcorp
Classification: Uncertain significance for Neuroblastoma, susceptibility to, 3. Last evaluated: 2019-09-23. Review status: criteria provided, single submitter. Criteria: Invitae Variant Classification Sherloc (09022015). Collection method: clinical testing. Allele origin: germline.
Comment: This sequence change creates a premature translational stop signal (p.Thr901Ilefs*7) in the ALK gene. It is expected to result in an absent or disrupted protein product. This variant is not present in population databases (ExAC no frequency). This variant has not been reported in the literature in individuals with ALK-related conditions. The current clinical and genetic evidence is not sufficient to establish whether loss-of-function variants in ALK cause disease. In summary, the available evidence is currently insufficient to determine the role of this variant in disease. Therefore, it has been classified as a Variant of Uncertain Significance.

NM_004304.5(ALK):c.2702_2711del (p.Thr901fs)

Gene: ALK (ALK receptor tyrosine kinase; minus strand). Cytogenetic location: 2p23.2.
Variant type: Deletion.
Coding change: c.2702_2711del on transcript NM_004304.5 (MANE Select); coding-DNA positions 2702 to 2711, 10 bases deleted (CCGGAGGACA; older notation c.2702_2711delCCGGAGGACA).
Protein change: p.Thr901fs; shifts the reading frame from threonine 901.
Molecular consequence: frameshift variant.
Genome position (GRCh38, 1-based): chr2:29,228,988-29,228,997, TGTCCTCCGG deleted on the plus strand (CCGGAGGACA on the coding strand, the reverse complement: ALK is on the minus strand); deleting any 10 consecutive bases within chr2:29,228,988-29,228,999 gives the same sequence; the c. name uses the placement nearest the transcript's 3' end. VCF-style (leftmost placement, unchanged base first): chr2-29228987-ATGTCCTCCGG-A. GRCh37 (hg19) VCF-style: chr2-29451853-ATGTCCTCCGG-A.
Other names: short protein forms T901fs.
Identifiers: ClinVar variation 936274 (VCV000936274.7), dbSNP rs1664102433, ClinGen allele CA1139656838.